The following is an entry in ClinVar:

NM_000215.4(JAK3):c.1933C>T (p.His645Tyr)

Gene: JAK3 (Janus kinase 3; minus strand). Cytogenetic location: 19p13.11.
Variant type: single nucleotide variant.
Coding change: c.1933C>T on transcript NM_000215.4 (MANE Select); coding-DNA position 1933, C replaced by T.
Protein change: p.His645Tyr; replaces histidine 645 with tyrosine.
Molecular consequence: missense variant.
Genome position (GRCh38, 1-based): chr19:17,835,197, G>A on the plus strand (C>T on the coding strand, the complement: JAK3 is on the minus strand). VCF-style: chr19-17835197-G-A. GRCh37 (hg19) VCF-style: chr19-17946006-G-A.
Other names: short protein forms H645Y.
Identifiers: ClinVar variation 532746 (VCV000532746.9), dbSNP rs201479407, ClinGen allele CA306130285.

ClinVar aggregate classification (germline): Uncertain significance (1 of 4 stars; one submission).

Conditions:
T-B+ severe combined immunodeficiency due to JAK3 deficiency. Also called: SCID, T CELL-NEGATIVE, B CELL-POSITIVE, NK CELL-NEGATIVE; SCID, autosomal recessive, T-negative/B-positive type. Identifiers: Orphanet 35078, MedGen C1833275, MONDO:0010938, OMIM 600802.

Allele frequency attached by ClinVar (database versions not stated): gnomAD exomes 0.00001 and 0.00005; gnomAD 0.00004 and 0.00005; TOPMed 0.00005.

Submission:

Labcorp Genetics (formerly Invitae), Labcorp
Classification: Uncertain significance for T-B+ severe combined immunodeficiency due to JAK3 deficiency. Last evaluated: 2022-05-23. Review status: criteria provided, single submitter. Criteria: Invitae Variant Classification Sherloc (09022015). Collection method: clinical testing. Allele origin: germline.
Comment: This sequence change replaces histidine, which is basic and polar, with tyrosine, which is neutral and polar, at codon 645 of the JAK3 protein (p.His645Tyr). This variant is present in population databases (rs201479407, gnomAD 0.003%). This variant has not been reported in the literature in individuals affected with JAK3-related conditions. ClinVar contains an entry for this variant (Variation ID: 532746). Algorithms developed to predict the effect of missense changes on protein structure and function (SIFT, PolyPhen-2, Align-GVGD) all suggest that this variant is likely to be disruptive. In summary, the available evidence is currently insufficient to determine the role of this variant in disease. Therefore, it has been classified as a Variant of Uncertain Significance.